The following is an entry in ClinVar:

NM_007118.4(TRIO):c.4878C>A (p.Asp1626Glu)

Genes: TRIO (trio Rho guanine nucleotide exchange factor; plus strand), LOC126807322 (P300/CBP strongly-dependent group 1 enhancer GRCh37_chr5:14406263-14407462; plus strand). Cytogenetic location: 5p15.2.
Variant type: single nucleotide variant.
Coding change: c.4878C>A on transcript NM_007118.4 (MANE Select); coding-DNA position 4878, C replaced by A.
Protein change: p.Asp1626Glu; replaces aspartic acid 1626 with glutamic acid.
Molecular consequence: missense variant. On other transcripts: non-coding transcript variant (1).
Genome position (GRCh38, 1-based): chr5:14,406,591, C>A. VCF-style: chr5-14406591-C-A. GRCh37 (hg19) VCF-style: chr5-14406700-C-A.
Other names: short protein forms D1626E.
Identifiers: ClinVar variation 2092567 (VCV002092567.4), dbSNP rs2533051787, ClinGen allele CA359199121.

ClinVar aggregate classification (germline): Uncertain significance (1 of 4 stars; one submission).

Allele frequency attached by ClinVar (database versions not stated): gnomAD exomes below 0.00001.
gnomAD v4.1: 6 of 1,614,054 alleles (0.00037%); highest among the groups gnomAD compares: Non-Finnish European, 0.00051%; no homozygotes.

Submission:

Labcorp Genetics (formerly Invitae), Labcorp
Classification: Uncertain significance. Last evaluated: 2022-08-13. Review status: criteria provided, single submitter. Criteria: Invitae Variant Classification Sherloc (09022015). Collection method: clinical testing. Allele origin: germline.
Comment: This sequence change replaces aspartic acid, which is acidic and polar, with glutamic acid, which is acidic and polar, at codon 1626 of the TRIO protein (p.Asp1626Glu). This variant has not been reported in the literature in individuals affected with TRIO-related conditions. Advanced modeling of protein sequence and biophysical properties (such as structural, functional, and spatial information, amino acid conservation, physicochemical variation, residue mobility, and thermodynamic stability) performed at Invitae indicates that this missense variant is not expected to disrupt TRIO protein function. In summary, the available evidence is currently insufficient to determine the role of this variant in disease. Therefore, it has been classified as a Variant of Uncertain Significance. This variant is not present in population databases (gnomAD no frequency).